The following is an entry in ClinVar:

ClinVar aggregate classification (germline): Likely benign (0 of 4 stars; one submission).

Conditions:
ZNFX1-related disorder. Also called: ZNFX1-related condition.

Allele frequency attached by ClinVar (database versions not stated): gnomAD 0.00001; ExAC 0.00002; gnomAD exomes 0.00002; TOPMed 0.00002.

Submission:

PreventionGenetics, part of Exact Sciences
Classification: Likely benign for ZNFX1-related condition. Last evaluated: 2023-10-12. Review status: no assertion criteria provided. Collection method: clinical testing. Allele origin: germline.
Comment: This variant is classified as likely benign based on ACMG/AMP sequence variant interpretation guidelines (Richards et al. 2015 PMID: 25741868, with internal and published modifications).

NM_021035.3(ZNFX1):c.4164C>T (p.His1388=)

Gene: ZNFX1 (zinc finger NFX1-type containing 1; minus strand). Cytogenetic location: 20q13.13.
Variant type: single nucleotide variant.
Coding change: c.4164C>T on transcript NM_021035.3 (MANE Select); coding-DNA position 4164, C replaced by T.
Protein change: p.His1388=; no amino-acid change (histidine 1388 retained).
Molecular consequence: synonymous variant.
Genome position (GRCh38, 1-based): chr20:49,248,860, G>A on the plus strand (C>T on the coding strand, the complement: ZNFX1 is on the minus strand). VCF-style: chr20-49248860-G-A. GRCh37 (hg19) VCF-style: chr20-47865397-G-A.
Identifiers: ClinVar variation 3036592 (VCV003036592.2), dbSNP rs767244448, ClinGen allele CA9901929.
Genomic context (GRCh38, chr20:49,248,860, plus strand): 5'-ACACTTGAGTTTTATGGTGACCATTTCTGAACACAGCTGCACACAGTCCTCACCACATGG[G>A]TGGCTGCATCTGTGCCCACATCTCAGAGACTTGGAGCAAGGCTCCTGGCAGCAGAAATCT-3'
Protein context (NP_066363.1, residues 1378-1398): KSLRCGHRCS[His1388=]PCGEDCVQLC